The following is an entry in ClinVar:

NM_000051.4(ATM):c.3285-11C>T

Gene: ATM (ATM serine/threonine kinase; plus strand). Cytogenetic location: 11q22.3.
Variant type: single nucleotide variant.
Coding change: c.3285-11C>T on transcript NM_000051.4 (MANE Select); 11 bases into the intron before coding-DNA position 3285, C replaced by T.
Molecular consequence: intron variant.
Genome position (GRCh38, 1-based): chr11:108,279,480, C>T. VCF-style: chr11-108279480-C-T. GRCh37 (hg19) VCF-style: chr11-108150207-C-T.
Other names: c.3285-11C>T (NM_001351834.2).
Identifiers: ClinVar variation 3254024 (VCV003254024.1), dbSNP rs2135641969.

ClinVar aggregate classification (germline): Likely benign (1 of 4 stars; one submission).

Conditions:
Familial cancer of breast. Also called: BREAST CANCER, FAMILIAL; Hereditary breast cancer; hereditary breast carcinoma. Identifiers: Orphanet 227535, MedGen C0346153, MONDO:0016419, OMIM 114480. Disease mechanism: loss of function.

Allele frequency attached by ClinVar (database versions not stated): gnomAD exomes below 0.00001.
gnomAD v4.1: 1 of 1,574,146 alleles (0.000064%); highest among the groups gnomAD compares: Non-Finnish European, 0.000087%; no homozygotes.

Submission:

Myriad Genetics, Inc.
Classification: Likely benign for Familial cancer of breast. Last evaluated: 2024-05-14. Review status: criteria provided, single submitter. Criteria: Myriad Autosomal Dominant, Autosomal Recessive and X-Linked Classification Criteria (2023). Collection method: clinical testing. Allele origin: unknown.
Comment: This variant is considered likely benign. This variant is intronic and is not expected to impact mRNA splicing.